The following is an entry in ClinVar:

ClinVar aggregate classification (germline): Uncertain significance (1 of 4 stars; one submission).

Conditions:
Familial focal epilepsy with variable foci (FPEVF). Identifiers: Orphanet 98820, MedGen C1858477, MONDO:0020310.

Submission:

Labcorp Genetics (formerly Invitae), Labcorp
Classification: Uncertain significance for Familial focal epilepsy with variable foci. Last evaluated: 2023-06-02. Review status: criteria provided, single submitter. Criteria: Invitae Variant Classification Sherloc (09022015). Collection method: clinical testing. Allele origin: germline.
Comment: This sequence change replaces histidine, which is basic and polar, with arginine, which is basic and polar, at codon 401 of the DEPDC5 protein (p.His401Arg). This variant is not present in population databases (gnomAD no frequency). This variant has not been reported in the literature in individuals affected with DEPDC5-related conditions. Experimental studies and prediction algorithms are not available or were not evaluated, and the functional significance of this variant is currently unknown. In summary, the available evidence is currently insufficient to determine the role of this variant in disease. Therefore, it has been classified as a Variant of Uncertain Significance.

NM_001242896.3(DEPDC5):c.1202A>G (p.His401Arg)

Gene: DEPDC5 (DEP domain containing 5, GATOR1 subcomplex subunit; plus strand). Cytogenetic location: 22q12.3.
Variant type: single nucleotide variant.
Coding change: c.1202A>G on transcript NM_001242896.3 (MANE Select); coding-DNA position 1202, A replaced by G.
Protein change: p.His401Arg; replaces histidine 401 with arginine.
Molecular consequence: missense variant. On other transcripts: non-coding transcript variant (5).
Genome position (GRCh38, 1-based): chr22:31,804,900, A>G. VCF-style: chr22-31804900-A-G. GRCh37 (hg19) VCF-style: chr22-32200886-A-G.
Other names: c.1118A>G, p.His373Arg (NM_001369901.1, NM_001369902.1); c.1202A>G, p.His401Arg (NM_001369903.1, NM_014662.6, NM_001007188.4 and 7 more transcripts); short protein forms H373R, H401R.
Identifiers: ClinVar variation 2757825 (VCV002757825.3), dbSNP rs2518938813, ClinGen allele CA411293625.